The following is an entry in ClinVar:

ClinVar aggregate classification (germline): Uncertain significance (1 of 4 stars; one submission).

Conditions:
TBX3-related disorder. Also called: TBX3-related condition.

Submission:

PreventionGenetics, part of Exact Sciences
Classification: Uncertain significance for TBX3-related condition. Last evaluated: 2026-02-16. Review status: criteria provided, single submitter. Criteria: ACMG Guidelines, 2015. Collection method: clinical testing. Allele origin: germline.
Comment: The TBX3 c.1676C>T variant is predicted to result in the amino acid substitution p.Thr559Met. To our knowledge, this variant has not been reported in the literature. This variant is reported in 0.014% of alleles in individuals of Latino descent in gnomAD. Although we suspect that this variant may be benign, at this time, the clinical significance of this variant is uncertain due to the absence of conclusive functional and genetic evidence.

NM_005996.4(TBX3):c.1616C>T (p.Thr539Met)

Gene: TBX3 (T-box transcription factor 3; minus strand). Cytogenetic location: 12q24.21.
Variant type: single nucleotide variant.
Coding change: c.1616C>T on transcript NM_005996.4 (MANE Select); coding-DNA position 1616, C replaced by T.
Protein change: p.Thr539Met; replaces threonine 539 with methionine.
Molecular consequence: missense variant.
Genome position (GRCh38, 1-based): chr12:114,674,259, G>A on the plus strand (C>T on the coding strand, the complement: TBX3 is on the minus strand). VCF-style: chr12-114674259-G-A. GRCh37 (hg19) VCF-style: chr12-115112064-G-A.
Other names: c.1676C>T, p.Thr559Met (NM_016569.4); short protein forms T539M, T559M.
Identifiers: ClinVar variation 3346892 (VCV003346892.2).
Genomic context (GRCh38, chr12:114,674,259, plus strand): 5'-GGCAGGGTGGCCGCGGACGCCCCGGACAGTCCCTGCGCCGCAGCGGCAGAGGCCATGGCC[G>A]TGGAATCCAGGCCCGAGACACCGGTGGAGGCCCCAGAAACCGTGGCCAGGAGGGGACCCA-3'
Protein context (NP_005987.3, residues 529-549): ASTGVSGLDS[Thr539Met]AMASAAAAQG